The following is an entry in ClinVar:

NM_000059.4(BRCA2):c.5984del (p.Asn1995fs)

Gene: BRCA2 (BRCA2 DNA repair associated; plus strand). Cytogenetic location: 13q13.1.
Variant type: Deletion.
Coding change: c.5984del on transcript NM_000059.4 (MANE Select); coding-DNA position 5984, one base deleted (A; older notation c.5984delA).
Protein change: p.Asn1995fs; shifts the reading frame from asparagine 1995.
Molecular consequence: frameshift variant.
Genome position (GRCh38, 1-based): chr13:32,340,339, A deleted; the last of 4 consecutive A bases (chr13:32,340,336-32,340,339); deleting any one gives the same sequence. VCF-style (leftmost placement, unchanged base first): chr13-32340335-CA-C. GRCh37 (hg19) VCF-style: chr13-32914472-CA-C.
Other names: short protein forms N1995fs.
Identifiers: ClinVar variation 826093 (VCV000826093.4), dbSNP rs397507818, ClinGen allele CA915948502.

ClinVar aggregate classification (germline): Pathogenic (1 of 4 stars; one submission).

Conditions:
Hereditary cancer-predisposing syndrome. Also called: Neoplastic Syndromes, Hereditary; Tumor predisposition; Hereditary neoplastic syndrome; Hereditary Cancer Syndrome. Identifiers: Orphanet 140162, MedGen C0027672, MeSH D009386, MONDO:0015356.

Submission:

Ambry Genetics
Classification: Pathogenic for Hereditary cancer-predisposing syndrome. Last evaluated: 2019-12-13. Review status: criteria provided, single submitter. Criteria: Ambry Variant Classification Scheme 2023. Collection method: clinical testing. Allele origin: germline.
Comment: The c.5984delA pathogenic mutation, located in coding exon 10 of the BRCA2 gene, results from a deletion of one nucleotide at nucleotide position 5984, causing a translational frameshift with a predicted alternate stop codon (p.N1995Tfs*9). This alteration is expected to result in loss of function by premature protein truncation or nonsense-mediated mRNA decay. As such, this alteration is interpreted as a disease-causing mutation.